The following is an entry in ClinVar:

NM_000718.4(CACNA1B):c.3221C>T (p.Pro1074Leu)

Gene: CACNA1B (calcium voltage-gated channel subunit alpha1 B; plus strand). Cytogenetic location: 9q34.3.
Variant type: single nucleotide variant.
Coding change: c.3221C>T on transcript NM_000718.4 (MANE Select); coding-DNA position 3221, C replaced by T.
Protein change: p.Pro1074Leu; replaces proline 1074 with leucine.
Molecular consequence: missense variant.
Genome position (GRCh38, 1-based): chr9:138,025,107, C>T. VCF-style: chr9-138025107-C-T. GRCh37 (hg19) VCF-style: chr9-140919559-C-T.
Other names: c.3221C>T, p.Pro1074Leu (NM_001243812.2); c.3221C>T (NM_000718.3); short protein forms P1074L.
Identifiers: ClinVar variation 2176727 (VCV002176727.3), dbSNP rs190549473, ClinGen allele CA5376558.

ClinVar aggregate classification (germline): Conflicting classifications of pathogenicity. Review status: criteria provided, conflicting classifications (1 of 4 stars). 2 submissions from 2 submitters: Uncertain significance (1); Likely benign (1). Last evaluated 2023-01-06.

Allele frequency attached by ClinVar (database versions not stated): gnomAD exomes 0.00001; ExAC 0.00003; ESP Exome Variant Server 0.00008; TOPMed 0.00008; gnomAD 0.00009; 1000 Genomes Project 30x 0.00016; 1000 Genomes Project 0.00020.
gnomAD v4.1: 20 of 1,613,482 alleles (0.0012%); highest among the groups gnomAD compares: African/African-American, 0.021%; no homozygotes.

Submissions (2):

Ambry Genetics
Classification: Likely benign. Last evaluated: 2023-01-06. Review status: criteria provided, single submitter. Criteria: Ambry Variant Classification Scheme 2023. Collection method: clinical testing. Allele origin: germline.

Labcorp Genetics (formerly Invitae), Labcorp
Classification: Uncertain significance. Last evaluated: 2022-06-13. Review status: criteria provided, single submitter. Criteria: Invitae Variant Classification Sherloc (09022015). Collection method: clinical testing. Allele origin: germline.
Comment: This sequence change replaces proline, which is neutral and non-polar, with leucine, which is neutral and non-polar, at codon 1074 of the CACNA1B protein (p.Pro1074Leu). This variant is present in population databases (rs190549473, gnomAD 0.03%). This variant has not been reported in the literature in individuals affected with CACNA1B-related conditions. Advanced modeling of protein sequence and biophysical properties (such as structural, functional, and spatial information, amino acid conservation, physicochemical variation, residue mobility, and thermodynamic stability) performed at Invitae indicates that this missense variant is not expected to disrupt CACNA1B protein function. In summary, the available evidence is currently insufficient to determine the role of this variant in disease. Therefore, it has been classified as a Variant of Uncertain Significance.